The following is an entry in ClinVar:

ClinVar aggregate classification (germline): Conflicting classifications of pathogenicity. Review status: criteria provided, conflicting classifications (1 of 4 stars). 3 submissions from 3 submitters: Uncertain significance (2); Likely benign (1). Last evaluated 2026-01-26.

Conditions:
Familial cold autoinflammatory syndrome 1 (FCAS1). Also called: CRYOPYRIN-ASSOCIATED PERIODIC SYNDROME 1; Familial cold inflammatory syndrome 1. Identifiers: Orphanet 47045, MedGen C4551895, MONDO:0007349, OMIM 120100.
Familial amyloid nephropathy with urticaria AND deafness (MWS). Also called: UDA SYNDROME; URTICARIA-DEAFNESS-AMYLOIDOSIS SYNDROME; CRYOPYRIN-ASSOCIATED PERIODIC SYNDROME 2; MUCKLE-WELLS SYNDROME; Urticaria, deafness and amyloidosis. Identifiers: Orphanet 575, MedGen C0268390, MONDO:0008633, OMIM 191900.
Hearing loss, autosomal dominant 34, with or without inflammation. Also called: DEAFNESS, AUTOSOMAL DOMINANT 34, WITH OR WITHOUT INFLAMMATION. Identifiers: MedGen C4521680, MONDO:0033261, OMIM 617772.
Keratitis fugax hereditaria. Also called: KERATOENDOTHELIITIS FUGAX HEREDITARIA. Identifiers: Orphanet 647815, MedGen C1835697, MONDO:0007849, OMIM 148200.
Chronic infantile neurological, cutaneous and articular syndrome (CINCA). Also called: CINCA syndrome; CRYOPYRIN-ASSOCIATED PERIODIC SYNDROME 3; CHRONIC NEUROLOGIC CUTANEOUS AND ARTICULAR SYNDROME; Prieur Griscelli syndrome. Identifiers: Orphanet 1451, MedGen C0409818, MONDO:0011776, OMIM 607115.
Cryopyrin associated periodic syndrome (CAPS). Identifiers: Orphanet 208650, MedGen C2316212, MONDO:0016168.
Inborn genetic diseases. Identifiers: MedGen C0950123, MeSH D030342.

Allele frequency attached by ClinVar (database versions not stated): TOPMed 0.00001.

Submissions (3):

Ambry Genetics
Classification: Likely benign for Inborn genetic diseases. Last evaluated: 2026-01-26. Review status: criteria provided, single submitter. Criteria: Ambry Variant Classification Scheme 2023. Collection method: clinical testing. Allele origin: germline.

Labcorp Genetics (formerly Invitae), Labcorp
Classification: Uncertain significance for Cryopyrin associated periodic syndrome. Last evaluated: 2024-11-18. Review status: criteria provided, single submitter. Criteria: Invitae Variant Classification Sherloc (09022015). Collection method: clinical testing. Allele origin: germline.
Comment: This sequence change replaces glutamine, which is neutral and polar, with arginine, which is basic and polar, at codon 269 of the NLRP3 protein (p.Gln269Arg). This variant is not present in population databases (gnomAD no frequency). This variant has not been reported in the literature in individuals affected with NLRP3-related conditions. ClinVar contains an entry for this variant (Variation ID: 1980828). Invitae Evidence Modeling of protein sequence and biophysical properties (such as structural, functional, and spatial information, amino acid conservation, physicochemical variation, residue mobility, and thermodynamic stability) indicates that this missense variant is not expected to disrupt NLRP3 protein function with a negative predictive value of 95%. In summary, the available evidence is currently insufficient to determine the role of this variant in disease. Therefore, it has been classified as a Variant of Uncertain Significance.

Fulgent Genetics
Classification: Uncertain significance for Familial cold autoinflammatory syndrome 1; Keratitis fugax hereditaria; Familial amyloid nephropathy with urticaria AND deafness; Chronic infantile neurological, cutaneous and articular syndrome; Hearing loss, autosomal dominant 34, with or without inflammation. Last evaluated: 2024-06-10. Review status: criteria provided, single submitter. Criteria: ACMG Guidelines, 2015. Collection method: clinical testing. Allele origin: germline.

NM_001243133.2(NLRP3):c.800A>G (p.Gln267Arg)

Gene: NLRP3 (NLR family pyrin domain containing 3; plus strand). Cytogenetic location: 1q44.
Variant type: single nucleotide variant.
Coding change: c.800A>G on transcript NM_001243133.2 (MANE Select); coding-DNA position 800, A replaced by G.
Protein change: p.Gln267Arg; replaces glutamine 267 with arginine.
Molecular consequence: missense variant.
Genome position (GRCh38, 1-based): chr1:247,424,249, A>G. VCF-style: chr1-247424249-A-G. GRCh37 (hg19) VCF-style: chr1-247587551-A-G.
Other names: c.800A>G, p.Gln267Arg (NM_001079821.3, NM_001127461.3, NM_001127462.3 and 1 more transcripts); c.806A>G, p.Gln269Arg (NM_004895.5); short protein forms Q269R, Q267R.
Identifiers: ClinVar variation 1980828 (VCV001980828.6), dbSNP rs1662689287, ClinGen allele CA345555451.